The following is an entry in ClinVar:

NM_000138.5(FBN1):c.6901A>T (p.Ile2301Phe)

Gene: FBN1 (fibrillin 1; minus strand). Cytogenetic location: 15q21.1.
Variant type: single nucleotide variant.
Coding change: c.6901A>T on transcript NM_000138.5 (MANE Select); coding-DNA position 6901, A replaced by T.
Protein change: p.Ile2301Phe; replaces isoleucine 2301 with phenylalanine.
Molecular consequence: missense variant.
Genome position (GRCh38, 1-based): chr15:48,428,442, T>A on the plus strand (A>T on the coding strand, the complement: FBN1 is on the minus strand). VCF-style: chr15-48428442-T-A. GRCh37 (hg19) VCF-style: chr15-48720639-T-A.
Other names: c.6901A>T, p.Ile2301Phe (NM_001406716.1); short protein forms I2301F.
Identifiers: ClinVar variation 2935138 (VCV002935138.4), dbSNP rs1428185990, ClinGen allele CA392330830.

ClinVar aggregate classification (germline): Uncertain significance. Review status: criteria provided, multiple submitters, no conflicts (2 of 4 stars). 2 submissions from 2 submitters: Uncertain significance (2). Last evaluated 2024-12-03.

Conditions:
Marfan syndrome (MFS). Also called: MARFAN SYNDROME, TYPE I; Marfan syndrome type 1; Marfan's syndrome; Marfan syndrome, classic; FBN1-Related Marfan Syndrome. Identifiers: Orphanet 284963, Orphanet 558, MedGen C0024796, MONDO:0007947, OMIM 154700.
Familial thoracic aortic aneurysm and aortic dissection (TAAD). Also called: Thoracic aortic aneurysms and dissections. Identifiers: Orphanet 91387, MedGen C4707243, MONDO:0019625.

Allele frequency attached by ClinVar (database versions not stated): gnomAD exomes below 0.00001.
gnomAD v4.1: 6 of 1,614,096 alleles (0.00037%); highest among the groups gnomAD compares: Non-Finnish European, 0.00051%; no homozygotes.

Submissions (2):

GeneDx
Classification: Uncertain significance. Last evaluated: 2024-12-03. Review status: criteria provided, single submitter. Criteria: GeneDx Variant Classification Process June 2021. Collection method: clinical testing. Allele origin: germline. Affected: yes.
Comment: Not observed at significant frequency in large population cohorts (gnomAD); In silico analysis supports that this missense variant has a deleterious effect on protein structure/function; Has not been previously published as pathogenic or benign to our knowledge; Does not affect a cysteine or calcium-binding residue within an EGF-like domain or a TGF-binding protein domain of the FBN1 gene; cysteine substitutions in the EGF-like domains represent the majority of pathogenic missense changes associated with FBN1-related disorders (PMID: 12938084); This variant is associated with the following publications: (PMID: 12938084)

Labcorp Genetics (formerly Invitae), Labcorp
Classification: Uncertain significance for Marfan syndrome; Familial thoracic aortic aneurysm and aortic dissection. Last evaluated: 2024-01-22. Review status: criteria provided, single submitter. Criteria: Invitae Variant Classification Sherloc (09022015). Collection method: clinical testing. Allele origin: germline.
Comment: This sequence change replaces isoleucine, which is neutral and non-polar, with phenylalanine, which is neutral and non-polar, at codon 2301 of the FBN1 protein (p.Ile2301Phe). This variant is present in population databases (no rsID available, gnomAD 0.0009%). This variant has not been reported in the literature in individuals affected with FBN1-related conditions. Advanced modeling of protein sequence and biophysical properties (such as structural, functional, and spatial information, amino acid conservation, physicochemical variation, residue mobility, and thermodynamic stability) has been performed at Invitae for this missense variant, however the output from this modeling did not meet the statistical confidence thresholds required to predict the impact of this variant on FBN1 protein function. In summary, the available evidence is currently insufficient to determine the role of this variant in disease. Therefore, it has been classified as a Variant of Uncertain Significance.